The following is an entry in ClinVar:

NM_004991.4(MECOM):c.2095T>A (p.Phe699Ile)

Gene: MECOM (MDS1 and EVI1 complex locus; minus strand). Cytogenetic location: 3q26.2.
Variant type: single nucleotide variant.
Coding change: c.2095T>A on transcript NM_004991.4 (MANE Select); coding-DNA position 2095, T replaced by A.
Protein change: p.Phe699Ile; replaces phenylalanine 699 with isoleucine.
Molecular consequence: missense variant. On other transcripts: intron variant (2).
Genome position (GRCh38, 1-based): chr3:169,115,777, A>T on the plus strand (T>A on the coding strand, the complement: MECOM is on the minus strand). VCF-style: chr3-169115777-A-T. GRCh37 (hg19) VCF-style: chr3-168833565-A-T.
Other names: c.1726T>A, p.Phe576Ile (NM_001105077.4); c.1531T>A, p.Phe511Ile (NM_001105078.4, NM_001164000.2, NM_001205194.2 and 4 more transcripts); c.1534T>A, p.Phe512Ile (NM_001163999.2, NM_001366467.2, NM_001366468.2 and 1 more transcripts); c.2095T>A, p.Phe699Ile (NM_001366466.2); c.1133-10T>A (NM_001366473.2); c.569-10T>A (NM_001366474.2); short protein forms F511I, F576I, F512I, F699I.
Identifiers: ClinVar variation 2255709 (VCV002255709.3), dbSNP rs2549406053, ClinGen allele CA355086126.

ClinVar aggregate classification (germline): Uncertain significance (1 of 4 stars; one submission).

Conditions:
Inborn genetic diseases. Identifiers: MedGen C0950123, MeSH D030342.

Submission:

Ambry Genetics
Classification: Uncertain significance for Inborn genetic diseases. Last evaluated: 2026-03-17. Review status: criteria provided, single submitter. Criteria: Ambry Variant Classification Scheme 2023. Collection method: clinical testing. Allele origin: germline.
Comment: The p.F699I variant (also known as c.2095T>A), located in coding exon 8 of the MECOM gene, results from a T to A substitution at nucleotide position 2095. The phenylalanine at codon 699 is replaced by isoleucine, an amino acid with highly similar properties. This amino acid position is conserved. In addition, this alteration is predicted to be tolerated by in silico analysis. Based on the available evidence, the clinical significance of this variant remains unclear.